The following is an entry in ClinVar:

NM_000091.5(COL4A3):c.3593G>A (p.Gly1198Asp)

Genes: COL4A3 (collagen type IV alpha 3 chain; plus strand), MFF-DT (MFF divergent transcript; minus strand). Cytogenetic location: 2q36.3.
Variant type: single nucleotide variant.
Coding change: c.3593G>A on transcript NM_000091.5 (MANE Select); coding-DNA position 3593, G replaced by A.
Protein change: p.Gly1198Asp; replaces glycine 1198 with aspartic acid.
Molecular consequence: missense variant.
Genome position (GRCh38, 1-based): chr2:227,297,701, G>A. VCF-style: chr2-227297701-G-A. GRCh37 (hg19) VCF-style: chr2-228162417-G-A.
Other names: c.3593G>A (NM_000091.4); short protein forms G1198D.
Identifiers: ClinVar variation 804577 (VCV000804577.10), dbSNP rs755849032, ClinGen allele CA2147306.

ClinVar aggregate classification (germline): Pathogenic/Likely pathogenic. Review status: criteria provided, multiple submitters, no conflicts (2 of 4 stars). 5 submissions from 5 submitters: Pathogenic (1); Likely pathogenic (3). 1 of the submissions does not count toward it. Last evaluated 2025-09-25.

Conditions:
COL4A3-related disorder. Also called: COL4A3-related condition; COL4A3-Related Disorders.
Alport syndrome 3b, autosomal recessive. Identifiers: MedGen C5882699, MONDO:0957811, OMIM 620536.
Autosomal dominant Alport syndrome (ATS3A). Also called: Alport syndrome dominant type; Renal failure and sensorineural hearing loss; ALPORT SYNDROME 3A, AUTOSOMAL DOMINANT. Identifiers: Orphanet 63, Orphanet 88918, MedGen C5882663, MONDO:0007086, OMIM 104200.
Hematuria, benign familial, 2 (BFH2). Identifiers: MedGen C5830421, MONDO:0958186, OMIM 620320.

Allele frequency attached by ClinVar (database versions not stated): gnomAD exomes below 0.00001 and 0.00001; ExAC 0.00001.
gnomAD v4.1: 2 of 1,609,066 alleles (0.00012%); highest among the groups gnomAD compares: Admixed American, 0.0034%; no homozygotes.

Submissions (5):

Labcorp Genetics (formerly Invitae), Labcorp
Classification: Likely pathogenic. Last evaluated: 2025-09-25. Review status: criteria provided, single submitter. Criteria: Invitae Variant Classification Sherloc (09022015). Collection method: clinical testing. Allele origin: germline.
Comment: This sequence change replaces glycine, which is neutral and non-polar, with aspartic acid, which is acidic and polar, at codon 1198 of the COL4A3 protein (p.Gly1198Asp). This variant is present in population databases (rs755849032, gnomAD 0.006%). This missense change has been observed in individuals with autosomal dominant Alport syndrome (internal data). ClinVar contains an entry for this variant (Variation ID: 804577). Invitae Evidence Modeling of protein sequence and biophysical properties (such as structural, functional, and spatial information, amino acid conservation, physicochemical variation, residue mobility, and thermodynamic stability) indicates that this missense variant is expected to disrupt COL4A3 protein function with a positive predictive value of 80%. This variant disrupts the p.Gly1198 amino acid residue in COL4A3. Other variant(s) that disrupt this residue have been determined to be pathogenic (PMID: 12028435, 15618242, 33226606, 34400539). This suggests that this residue is clinically significant, and that variants that disrupt this residue are likely to be disease-causing. In summary, the currently available evidence indicates that the variant is pathogenic, but additional data are needed to prove that conclusively. Therefore, this variant has been classified as Likely Pathogenic.

3billion
Classification: Pathogenic for Alport syndrome 3b, autosomal recessive. Last evaluated: 2025-02-26. Review status: criteria provided, single submitter. Criteria: ACMG Guidelines, 2015. Collection method: clinical testing. Allele origin: germline. Affected: yes.
Comment: The variant is observed at an extremely low frequency in the gnomAD v4.1.0 dataset (total allele frequency: <0.001%). Predicted Consequence/Location: The variant is located in a mutational hot spot and/or well-established functional domain in which established pathogenic variants have been reported (PMID: 12028435). In silico tool predictions suggest damaging effect of the variant on gene or gene product [REVEL: 0.96 (>=0.6, sensitivity 0.68 and specificity 0.92)]. The same nucleotide change resulting in the same amino acid change has been previously reported as pathogenic/likely pathogenic with strong evidence (ClinVar ID: VCV000804577). A different missense change at the same codon (p.Gly1198Ser) has been reported as pathogenic/likely pathogenic with strong evidence (ClinVar ID: VCV000562260 /PMID: 12028435). Therefore, this variant is classified as Pathogenic according to the recommendation of ACMG/AMP guideline.

Fulgent Genetics
Classification: Likely pathogenic for Autosomal dominant Alport syndrome; Hematuria, benign familial, 2; Alport syndrome 3b, autosomal recessive. Last evaluated: 2024-05-17. Review status: criteria provided, single submitter. Criteria: ACMG Guidelines, 2015. Collection method: clinical testing. Allele origin: germline.

Athena Diagnostics
Classification: Likely pathogenic. Last evaluated: 2019-07-30. Review status: criteria provided, single submitter. Criteria: Athena Diagnostics Criteria. Collection method: clinical testing. Allele origin: germline.
Comment: The variant disrupts a glycine residue in the canonical Gly-X-Y repeats of the triple helix domain, which are required for stability and structure of this protein. Therefore it is expected to severely affect the function of the protein. The best available variant frequency is uninformative because it is below the disease allele frequency.

PreventionGenetics, part of Exact Sciences
Classification: Likely pathogenic for COL4A3-related condition. Last evaluated: 2023-12-16. Review status: no assertion criteria provided. Collection method: clinical testing. Allele origin: germline. Not counted in ClinVar's aggregate classification.
Comment: The COL4A3 c.3593G>A variant is predicted to result in the amino acid substitution p.Gly1198Asp. To our knowledge, this variant has not been reported in the literature. This variant is reported in 0.0060% of alleles in individuals of Latino descent in gnomAD. A different nucleotide substitution affecting the same amino acid (p.Gly1198Ser) has been reported in individuals with COL4A3-associated disorders (Longo et al. 2002. PubMed ID: 12028435; Vaisitti et al. 2020. PubMed ID: 33226606; Table S4, Gibson et al. 2021. PubMed ID: 34400539). The p.Gly1198 residue is located in the conserved triple helical domain, where substitutions of the glycine are usually pathogenic (UniProt residues 43-1438, Hudson et al. 1993. PubMed ID: 8253711). Taken together, the c.3593G>A (p.Gly1198Asp) is interpreted as likely pathogenic.

Literature cited by the submitters: PubMed 12028435 (cited by Labcorp Genetics (formerly Invitae), Labcorp and 3billion); PubMed 15618242 (cited by Labcorp Genetics (formerly Invitae), Labcorp); PubMed 33226606 (cited by Labcorp Genetics (formerly Invitae), Labcorp); PubMed 34400539 (cited by Labcorp Genetics (formerly Invitae), Labcorp).